The following is an entry in ClinVar:

ClinVar aggregate classification (germline): Likely pathogenic (1 of 4 stars; one submission).

Conditions:
Acid sphingomyelinase deficiency. Identifiers: Orphanet 618899, MedGen C5243927, MONDO:0100464.

Submission:

Myriad Genetics, Inc.
Classification: Likely pathogenic for Acid sphingomyelinase deficiency. Last evaluated: 2022-04-02. Review status: criteria provided, single submitter. Criteria: Myriad Autosomal Dominant, Autosomal Recessive and X-Linked Classification Criteria (2023). Collection method: clinical testing. Allele origin: unknown.
Comment: NM_000543.4(SMPD1):c.448_449ins14(R150Lfs*9) is expected to be pathogenic in the context of Niemann-Pick disease, SMPD1-related. This variant is predicted to lead to an abnormal or absent protein product due to the creation of a premature termination codon in SMPD1, a gene where loss-of-function variants are known to be pathogenic. Please note: this variant was assessed in the context of healthy population screening.

NM_000543.5(SMPD1):c.448_449insTAGGAAGCCGTAAA (p.Arg150fs)

Gene: SMPD1 (sphingomyelin phosphodiesterase 1; plus strand). Cytogenetic location: 11p15.4.
Variant type: Insertion.
Coding change: c.448_449insTAGGAAGCCGTAAA on transcript NM_000543.5 (MANE Select); coding-DNA positions 448 to 449, TAGGAAGCCGTAAA inserted.
Protein change: p.Arg150fs; shifts the reading frame from arginine 150.
Molecular consequence: frameshift variant. On other transcripts: 5 prime UTR variant (1), non-coding transcript variant (1).
Genome position: GRCh38 VCF-style: chr11-6391513-C-CTAGGAAGCCGTAAA. GRCh37 (hg19) VCF-style: chr11-6412743-C-CTAGGAAGCCGTAAA.
Other names: c.445_446insTAGGAAGCCGTAAA, p.Arg149fs (NM_001007593.3); c.448_449insTAGGAAGCCGTAAA, p.Arg150fs (NM_001318087.2, NM_001365135.2); c.-514_-513insTAGGAAGCCGTAAA (NM_001318088.2); short protein forms R149fs, R150fs.
Identifiers: ClinVar variation 1725829 (VCV001725829.3), dbSNP rs2493804143, ClinGen allele CA2580083958.